The following is an entry in ClinVar:

ClinVar aggregate classification (germline): Uncertain significance (1 of 4 stars; one submission).

Submission:

Labcorp Genetics (formerly Invitae), Labcorp
Classification: Uncertain significance. Last evaluated: 2023-11-15. Review status: criteria provided, single submitter. Criteria: Invitae Variant Classification Sherloc (09022015). Collection method: clinical testing. Allele origin: germline.
Comment: This sequence change replaces asparagine, which is neutral and polar, with lysine, which is basic and polar, at codon 878 of the RIN2 protein (p.Asn878Lys). This variant is not present in population databases (gnomAD no frequency). This variant has not been reported in the literature in individuals affected with RIN2-related conditions. Algorithms developed to predict the effect of missense changes on protein structure and function output the following: SIFT: "Not Available"; PolyPhen-2: "Not Available"; Align-GVGD: "Not Available". The lysine amino acid residue is found in multiple mammalian species, which suggests that this missense change does not adversely affect protein function. In summary, the available evidence is currently insufficient to determine the role of this variant in disease. Therefore, it has been classified as a Variant of Uncertain Significance.

NM_018993.4(RIN2):c.2634C>A (p.Asn878Lys)

Gene: RIN2 (Ras and Rab interactor 2; plus strand). Cytogenetic location: 20p11.23.
Variant type: single nucleotide variant.
Coding change: c.2634C>A on transcript NM_018993.4 (MANE Select); coding-DNA position 2634, C replaced by A.
Protein change: p.Asn878Lys; replaces asparagine 878 with lysine.
Molecular consequence: missense variant.
Genome position (GRCh38, 1-based): chr20:20,000,882, C>A. VCF-style: chr20-20000882-C-A. GRCh37 (hg19) VCF-style: chr20-19981526-C-A.
Other names: c.2781C>A, p.Asn927Lys (NM_001242581.2); c.2016C>A, p.Asn672Lys (NM_001378238.1); short protein forms N672K, N878K, N927K.
Identifiers: ClinVar variation 2696239 (VCV002696239.3), dbSNP rs771581342, ClinGen allele CA408367982.